The following is an entry in ClinVar:

ClinVar aggregate classification (germline): Uncertain significance (1 of 4 stars; one submission).

Submission:

Labcorp Genetics (formerly Invitae), Labcorp
Classification: Uncertain significance. Last evaluated: 2022-05-31. Review status: criteria provided, single submitter. Criteria: Invitae Variant Classification Sherloc (09022015). Collection method: clinical testing. Allele origin: germline.
Comment: This variant has not been reported in the literature in individuals affected with GSN-related conditions. Algorithms developed to predict the effect of missense changes on protein structure and function (SIFT, PolyPhen-2, Align-GVGD) all suggest that this variant is likely to be tolerated. Algorithms developed to predict the effect of sequence changes on RNA splicing suggest that this variant may disrupt the consensus splice site. In summary, the available evidence is currently insufficient to determine the role of this variant in disease. Therefore, it has been classified as a Variant of Uncertain Significance. This variant is not present in population databases (gnomAD no frequency). This sequence change replaces threonine, which is neutral and polar, with serine, which is neutral and polar, at codon 598 of the GSN protein (p.Thr598Ser).

NM_198252.3(GSN):c.1640C>G (p.Thr547Ser)

Gene: GSN (gelsolin; plus strand). Cytogenetic location: 9q33.2.
Variant type: single nucleotide variant.
Coding change: c.1640C>G on transcript NM_198252.3 (MANE Select); coding-DNA position 1640, C replaced by G.
Protein change: p.Thr547Ser; replaces threonine 547 with serine.
Molecular consequence: missense variant.
Genome position (GRCh38, 1-based): chr9:121,327,360, C>G. VCF-style: chr9-121327360-C-G. GRCh37 (hg19) VCF-style: chr9-124089638-C-G.
Other names: c.1793C>G, p.Thr598Ser (NM_000177.5); c.1640C>G, p.Thr547Ser (NM_001127662.2, NM_001127664.2, NM_001127665.2 and 10 more transcripts); c.1748C>G, p.Thr583Ser (NM_001127663.2); c.1673C>G, p.Thr558Ser (NM_001353063.2, NM_001353064.2, NM_001353065.2 and 13 more transcripts); c.986C>G, p.Thr329Ser (NM_001353078.2); c.1691C>G, p.Thr564Ser (NM_001258029.2); c.1664C>G, p.Thr555Ser (NM_001258030.2); c.1712C>G, p.Thr571Ser (NM_001353076.2); short protein forms T583S, T598S, T564S, T571S, T555S, T329S, T547S, T558S.
Identifiers: ClinVar variation 2000340 (VCV002000340.4), dbSNP rs376326631, ClinGen allele CA374755761.